The following is an entry in ClinVar:

NM_007186.6(CEP250):c.1549G>A (p.Ala517Thr)

Genes: CEP250 (centrosomal protein 250; plus strand), CEP250-AS1 (CEP250 antisense RNA 1; minus strand). Cytogenetic location: 20q11.22.
Variant type: single nucleotide variant.
Coding change: c.1549G>A on transcript NM_007186.6 (MANE Select); coding-DNA position 1549, G replaced by A.
Protein change: p.Ala517Thr; replaces alanine 517 with threonine.
Molecular consequence: missense variant. On other transcripts: 5 prime UTR variant (1).
Genome position (GRCh38, 1-based): chr20:35,474,030, G>A. VCF-style: chr20-35474030-G-A. GRCh37 (hg19) VCF-style: chr20-34061855-G-A.
Other names: c.-351G>A (NM_001318219.1); short protein forms A517T.
Identifiers: ClinVar variation 1374067 (VCV001374067.9), dbSNP rs755584093, ClinGen allele CA9832946.
Genomic context (GRCh38, chr20:35,474,030, plus strand): 5'-CAGCTGCAGGGGGACTCTGCCCAGGGCCAGAAGGAGGAACAGCAGGAGGAGCTGCACCTG[G>A]CTGTCCGGGAGAGGGAGCGTCTGTAAGTGAGACTAGTCTCCTCCTCGCTGGGCCCTGGTC-3'
Protein context (NP_009117.2, residues 507-527): KEEQQEELHL[Ala517Thr]VRERERLQEM

ClinVar aggregate classification (germline): Uncertain significance. Review status: criteria provided, multiple submitters, no conflicts (2 of 4 stars). 2 submissions from 2 submitters: Uncertain significance (2). Last evaluated 2021-07-14.

Allele frequency attached by ClinVar (database versions not stated): gnomAD exomes 0.00001.
gnomAD v4.1: 7 of 1,581,028 alleles (0.00044%); highest among the groups gnomAD compares: Non-Finnish European, 0.0006%; no homozygotes.

Submissions (2):

Labcorp Genetics (formerly Invitae), Labcorp
Classification: Uncertain significance. Last evaluated: 2021-07-14. Review status: criteria provided, single submitter. Criteria: Invitae Variant Classification Sherloc (09022015). Collection method: clinical testing. Allele origin: germline.
Comment: This variant is present in population databases (rs755584093, ExAC 0.003%). This sequence change replaces alanine with threonine at codon 517 of the CEP250 protein (p.Ala517Thr). The alanine residue is moderately conserved and there is a small physicochemical difference between alanine and threonine. This variant has not been reported in the literature in individuals affected with CEP250-related conditions. Algorithms developed to predict the effect of missense changes on protein structure and function are either unavailable or do not agree on the potential impact of this missense change (SIFT: "Not Available"; PolyPhen-2: "Probably Damaging"; Align-GVGD: "Not Available"). In summary, the available evidence is currently insufficient to determine the role of this variant in disease. Therefore, it has been classified as a Variant of Uncertain Significance.

Blueprint Genetics
Classification: Uncertain significance. Last evaluated: 2020-09-04. Review status: criteria provided, single submitter. Criteria: ACMG Guidelines, 2015. Collection method: clinical testing. Allele origin: germline.